The following is an entry in ClinVar:

ClinVar aggregate classification (germline): Uncertain significance (1 of 4 stars; one submission).

Submission:

Labcorp Genetics (formerly Invitae), Labcorp
Classification: Uncertain significance. Last evaluated: 2021-11-05. Review status: criteria provided, single submitter. Criteria: Invitae Variant Classification Sherloc (09022015). Collection method: clinical testing. Allele origin: germline.
Comment: This sequence change replaces alanine, which is neutral and non-polar, with proline, which is neutral and non-polar, at codon 131 of the BCAP31 protein (p.Ala131Pro). This variant is not present in population databases (gnomAD no frequency). This variant has not been reported in the literature in individuals affected with BCAP31-related conditions. Algorithms developed to predict the effect of missense changes on protein structure and function are either unavailable or do not agree on the potential impact of this missense change (SIFT: "Deleterious"; PolyPhen-2: "Probably Damaging"; Align-GVGD: "Class C0"). In summary, the available evidence is currently insufficient to determine the role of this variant in disease. Therefore, it has been classified as a Variant of Uncertain Significance.

NM_001256447.2(BCAP31):c.391G>C (p.Ala131Pro)

Gene: BCAP31 (B cell receptor associated protein 31; minus strand). Cytogenetic location: Xq28.
Variant type: single nucleotide variant.
Coding change: c.391G>C on transcript NM_001256447.2 (MANE Select); coding-DNA position 391, G replaced by C.
Protein change: p.Ala131Pro; replaces alanine 131 with proline.
Molecular consequence: missense variant.
Genome position (GRCh38, 1-based): chrX:153,704,045, C>G on the plus strand (G>C on the coding strand, the complement: BCAP31 is on the minus strand). VCF-style: chrX-153704045-C-G. GRCh37 (hg19) VCF-style: chrX-152969500-C-G.
Other names: c.391G>C, p.Ala131Pro (NM_005745.8, NM_001139441.1); c.592G>C, p.Ala198Pro (NM_001139457.2); short protein forms A131P, A198P.
Identifiers: ClinVar variation 1515937 (VCV001515937.6), dbSNP rs2148371386, ClinGen allele CA415093777.